The following is an entry in ClinVar:

NM_201253.3(CRB1):c.3106G>A (p.Glu1036Lys)

Gene: CRB1 (crumbs cell polarity complex component 1; plus strand). Cytogenetic location: 1q31.3.
Variant type: single nucleotide variant.
Coding change: c.3106G>A on transcript NM_201253.3 (MANE Select); coding-DNA position 3106, G replaced by A.
Protein change: p.Glu1036Lys; replaces glutamic acid 1036 with lysine.
Molecular consequence: missense variant. On other transcripts: non-coding transcript variant (2), intron variant (1).
Genome position (GRCh38, 1-based): chr1:197,434,969, G>A. VCF-style: chr1-197434969-G-A. GRCh37 (hg19) VCF-style: chr1-197404099-G-A.
Other names: c.2770G>A, p.Glu924Lys (NM_001193640.2); c.3034G>A, p.Glu1012Lys (NM_001257965.2); c.2129-631G>A (NM_001257966.2); short protein forms E1012K, E924K, E1036K.
Identifiers: ClinVar variation 2054940 (VCV002054940.4), dbSNP rs563857130, ClinGen allele CA1312277.
Genomic context (GRCh38, chr1:197,434,969, plus strand): 5'-AACAGCTTTTATATGCTAAGTCTGACAAGTTTGCAGTCAGTGAATGATGGCACATGGCAC[G>A]AAGTGACCCTTTCCATGACAGACCCACTGTCCCAGACCTCCAGGTGGCAAATGGAAGTGG-3'
Protein context (NP_957705.1, residues 1026-1046): LQSVNDGTWH[Glu1036Lys]VTLSMTDPLS

ClinVar aggregate classification (germline): Uncertain significance (1 of 4 stars; one submission).

Conditions:
Leber congenital amaurosis 8 (LCA8). Identifiers: Orphanet 65, MedGen C3151202, MONDO:0013453, OMIM 613835.
Retinitis pigmentosa 12 (RP12). Also called: RP WITH OR WITHOUT PPRPE; RP WITH OR WITHOUT PRESERVED PARAARTERIOLE RETINAL PIGMENT EPITHELIUM; RETINITIS PIGMENTOSA WITH OR WITHOUT PARAARTERIOLAR PRESERVATION OF RETINAL PIGMENT EPITHELIUM. Identifiers: Orphanet 791, MedGen C1838647, MONDO:0010818, OMIM 600105.

Allele frequency attached by ClinVar (database versions not stated): ExAC 0.00001; gnomAD 0.00001; gnomAD exomes 0.00001; TOPMed 0.00002; 1000 Genomes Project 30x 0.00016; 1000 Genomes Project 0.00020.
gnomAD v4.1: 21 of 1,613,930 alleles (0.0013%); highest among the groups gnomAD compares: Admixed American, 0.0033%; no homozygotes.

Submission:

Labcorp Genetics (formerly Invitae), Labcorp
Classification: Uncertain significance for Leber congenital amaurosis 8; Retinitis pigmentosa 12. Last evaluated: 2022-07-18. Review status: criteria provided, single submitter. Criteria: Invitae Variant Classification Sherloc (09022015). Collection method: clinical testing. Allele origin: germline.
Comment: In summary, the available evidence is currently insufficient to determine the role of this variant in disease. Therefore, it has been classified as a Variant of Uncertain Significance. Advanced modeling of protein sequence and biophysical properties (such as structural, functional, and spatial information, amino acid conservation, physicochemical variation, residue mobility, and thermodynamic stability) performed at Invitae indicates that this missense variant is not expected to disrupt CRB1 protein function. This variant has not been reported in the literature in individuals affected with CRB1-related conditions. This variant is present in population databases (rs563857130, gnomAD 0.006%). This sequence change replaces glutamic acid, which is acidic and polar, with lysine, which is basic and polar, at codon 1036 of the CRB1 protein (p.Glu1036Lys).